The following is an entry in ClinVar:

NM_053013.4(ENO3):c.154G>A (p.Gly52Arg)

Gene: ENO3 (enolase 3; plus strand). Cytogenetic location: 17p13.2.
Variant type: single nucleotide variant.
Coding change: c.154G>A on transcript NM_053013.4 (MANE Select); coding-DNA position 154, G replaced by A.
Protein change: p.Gly52Arg; replaces glycine 52 with arginine.
Molecular consequence: missense variant.
Genome position (GRCh38, 1-based): chr17:4,952,863, G>A. VCF-style: chr17-4952863-G-A. GRCh37 (hg19) VCF-style: chr17-4856158-G-A.
Other names: p.Gly52Arg; c.154G>A, p.Gly52Arg (NM_001193503.2, NM_001374523.1, NM_001976.5); c.181G>A, p.Gly61Arg (NM_001374524.1); short protein forms G61R, G52R.
Identifiers: ClinVar variation 1410891 (VCV001410891.5), dbSNP rs757769893, ClinGen allele CA8316155.

ClinVar aggregate classification (germline): Uncertain significance. Review status: criteria provided, multiple submitters, no conflicts (2 of 4 stars). 2 submissions from 2 submitters: Uncertain significance (2). Last evaluated 2025-01-16.

Conditions:
Glycogen storage disease due to muscle beta-enolase deficiency (GSD13). Also called: Glycogen Storage Disease Type XIII; ENOLASE 3 DEFICIENCY; ENOLASE-BETA DEFICIENCY; GSD XIII. Identifiers: Orphanet 99849, MedGen C2752027, MONDO:0013046, OMIM 612932.

Allele frequency attached by ClinVar (database versions not stated): ExAC 0.00002; gnomAD exomes 0.00002 and 0.00007; TOPMed 0.00011; gnomAD 0.00022.

Submissions (2):

Mayo Clinic Laboratories, Mayo Clinic
Classification: Uncertain significance. Last evaluated: 2025-01-16. Review status: criteria provided, single submitter. Criteria: ACMG Guidelines, 2015. Collection method: clinical testing. Allele origin: germline. Observed: 1 variant allele.
Comment: BP4, PM2_supporting

Labcorp Genetics (formerly Invitae), Labcorp
Classification: Uncertain significance for Glycogen storage disease due to muscle beta-enolase deficiency. Last evaluated: 2021-11-20. Review status: criteria provided, single submitter. Criteria: Invitae Variant Classification Sherloc (09022015). Collection method: clinical testing. Allele origin: germline.
Comment: In summary, the available evidence is currently insufficient to determine the role of this variant in disease. Therefore, it has been classified as a Variant of Uncertain Significance. Algorithms developed to predict the effect of missense changes on protein structure and function are either unavailable or do not agree on the potential impact of this missense change (SIFT: "Deleterious"; PolyPhen-2: "Probably Damaging"; Align-GVGD: "Class C0"). This variant is also known as c.181G>A (p.Gly61Arg). This missense change has been observed in individual(s) with neurodevelopmental disorders (PMID: 33004838). This variant is present in population databases (rs757769893, gnomAD 0.04%). This sequence change replaces glycine, which is neutral and non-polar, with arginine, which is basic and polar, at codon 52 of the ENO3 protein (p.Gly52Arg).

Literature cited by the submitters: PubMed 33004838 (cited by Mayo Clinic Laboratories, Mayo Clinic and Labcorp Genetics (formerly Invitae), Labcorp).